The following is an entry in ClinVar:

NM_000238.4(KCNH2):c.2398+156G>A

Gene: KCNH2 (potassium voltage-gated channel subfamily H member 2; minus strand). Cytogenetic location: 7q36.1.
Variant type: single nucleotide variant.
Coding change: c.2398+156G>A on transcript NM_000238.4 (MANE Select); 156 bases into the intron after coding-DNA position 2398, G replaced by A.
Molecular consequence: intron variant. On other transcripts: missense variant (5).
Genome position (GRCh38, 1-based): chr7:150,950,012, C>T on the plus strand (G>A on the coding strand, the complement: KCNH2 is on the minus strand). VCF-style: chr7-150950012-C-T. GRCh37 (hg19) VCF-style: chr7-150647100-C-T.
Other names: p.G852R:GGG>AGG; c.1534G>A, p.Gly512Arg (NM_001204798.2); c.2377G>A, p.Gly793Arg (NM_001406755.1); c.2266G>A, p.Gly756Arg (NM_001406756.1); c.2254G>A, p.Gly752Arg (NM_001406757.1); c.2554G>A, p.Gly852Arg (NM_172056.3); c.1378+156G>A (NM_172057.3); short protein forms G852R, G512R, G793R, G756R, G752R.
Identifiers: ClinVar variation 191471 (VCV000191471.18), dbSNP rs139247073, ClinGen allele CA006608.

ClinVar aggregate classification (germline): Conflicting classifications of pathogenicity. Review status: criteria provided, conflicting classifications (1 of 4 stars). 7 submissions from 7 submitters: Uncertain significance (3); Likely benign (4). Last evaluated 2026-07-07.

Conditions:
Cardiovascular phenotype. Identifiers: MedGen CN230736.
Cardiac arrhythmia. Also called: Cardiac rhythm disease; Arrhythmia. Identifiers: MedGen C0003811, MONDO:0007263, HP:0011675.

Allele frequency attached by ClinVar (database versions not stated): gnomAD 0.00003 and 0.00004; gnomAD exomes 0.00008; TOPMed 0.00010; ExAC 0.00016.

Submissions (7):

Ambry Genetics
Classification: Likely benign for Cardiovascular phenotype. Last evaluated: 2026-07-07. Review status: criteria provided, single submitter. Criteria: Ambry Variant Classification Scheme 2023. Collection method: clinical testing. Allele origin: germline.

CeGaT Center for Human Genetics Tuebingen
Classification: Likely benign. Last evaluated: 2026-03-01. Review status: criteria provided, single submitter. Criteria: CeGaT Center For Human Genetics Tuebingen Variant Classification Criteria Version 2. Collection method: clinical testing. Allele origin: germline. Affected: yes. Observed: 1 variant allele.
Comment: KCNH2: PP3, BS2

Blueprint Genetics
Classification: Likely benign. Last evaluated: 2023-07-04. Review status: criteria provided, single submitter. Criteria: ACMG Guidelines, 2015. Collection method: clinical testing. Allele origin: germline.

ARUP Laboratories, Molecular Genetics and Genomics, ARUP Laboratories
Classification: Uncertain significance. Last evaluated: 2021-04-06. Review status: criteria provided, single submitter. Criteria: ARUP Molecular Germline Variant Investigation Process 2021. Collection method: clinical testing. Allele origin: germline.
Comment: The KCNH2 c.2554G>A; p.Gly852Arg variant (rs139247073), also known as c.2398+156G>A in transcript NM_000238.3, is not to our knowledge reported in the medical literature but is reported in ClinVar (Variation ID: 191471). This variant is found in the general population with an overall allele frequency of 0.01% (15/183572 alleles) in the Genome Aggregation Database. The glycine at codon 852 is moderately conserved, and computational analyses are uncertain whether this variant is neutral or deleterious (REVEL: 0.257). Due to limited information, the clinical significance of the p.Gly852Arg variant is uncertain at this time.

Color Diagnostics, LLC DBA Color Health
Classification: Likely benign for Arrhythmia. Last evaluated: 2018-06-18. Review status: criteria provided, single submitter. Criteria: ACMG Guidelines, 2015. Collection method: clinical testing. Allele origin: germline.

GeneDx
Classification: Uncertain significance. Last evaluated: 2016-12-01. Review status: criteria provided, single submitter. Criteria: GeneDx Variant Classification (06012015). Collection method: clinical testing. Allele origin: germline. Affected: yes.
Comment: The Gly852Arg variant in the KCNH2 gene has not been reported previously as a disease-causing mutation nor as a benign polymorphism, to our knowledge. Gly852Arg results in a non-conservative amino acid substitution of a non-polar Glycine with a positively charged Arginine. The NHLBI ESP Exome Variant Server reports Gly852Arg was not observed in approximately 5,000 samples from individuals of European and African American backgrounds, indicating it is not a common benign variant in these populations. However, the Gly852Arg variant occurs in an alternative transcript where no mutations have been reported to date. As the expression pattern of this alternative transcript of KCNH2 is unknown, it is not possible to predict whether this variant is clinically significant or a benign variant.In summary, the clinical significance of Gly852Arg in the KCNH2 gene is currently unknown.

Biesecker Lab/Clinical Genomics Section, National Institutes of Health
Classification: Uncertain significance. Last evaluated: 2013-06-24. Review status: criteria provided, single submitter. Criteria: Ng et al. (Circ Cardiovasc Genet. 2013). Collection method: research. Allele origin: unknown. Observed: 1 variant allele. Study: ClinSeq.
Comment: The study set was not selected for affection status in relation to any cancer. Pathogenicity categories were based on literature curation. See Pubmed ID:23861362 for details.

Medical sequencing